The following is an entry in ClinVar:

ClinVar aggregate classification (germline): Uncertain significance (1 of 4 stars; one submission).

Submission:

GeneDx
Classification: Uncertain significance. Last evaluated: 2024-04-08. Review status: criteria provided, single submitter. Criteria: GeneDx Variant Classification Process June 2021. Collection method: clinical testing. Allele origin: germline. Affected: yes.
Comment: Not observed at significant frequency in large population cohorts (gnomAD); In silico analysis supports that this missense variant has a deleterious effect on protein structure/function; Has not been previously published as pathogenic or benign to our knowledge

NM_198904.4(GABRG2):c.806G>T (p.Ser269Ile)

Gene: GABRG2 (gamma-aminobutyric acid type A receptor subunit gamma2; plus strand). Cytogenetic location: 5q34.
Variant type: single nucleotide variant.
Coding change: c.806G>T on transcript NM_198904.4 (MANE Select); coding-DNA position 806, G replaced by T.
Protein change: p.Ser269Ile; replaces serine 269 with isoleucine.
Molecular consequence: missense variant.
Genome position (GRCh38, 1-based): chr5:162,142,200, G>T. VCF-style: chr5-162142200-G-T. GRCh37 (hg19) VCF-style: chr5-161569206-G-T.
Other names: c.806G>T, p.Ser269Ile (NM_000816.3, NM_001375340.1); c.797G>T, p.Ser266Ile (NM_001375339.1); c.803G>T, p.Ser268Ile (NM_001375341.1, NM_001375342.1); c.926G>T, p.Ser309Ile (NM_001375343.1, NM_198903.2); c.845G>T, p.Ser282Ile (NM_001375344.1); c.740G>T, p.Ser247Ile (NM_001375345.1, NM_001375346.1); c.719G>T, p.Ser240Ile (NM_001375347.1); c.386G>T, p.Ser129Ile (NM_001375348.1, NM_001375350.1); and 1 more; short protein forms S129I, S174I, S240I, S247I, S266I, S268I, S269I, S282I.
Identifiers: ClinVar variation 3371522 (VCV003371522.1).
Genomic context (GRCh38, chr5:162,142,200, plus strand): 5'-GGTGTTATCTTTGGTCTGTTCCAGGAGATTATGTGGTCATGTCTGTCTACTTTGATCTGA[G>T]CAGAAGAATGGGATACTTTACCATCCAGACCTATATCCCCTGCACACTCATTGTCGTCCT-3'
Protein context (NP_944494.1, residues 259-279): YVVMSVYFDL[Ser269Ile]RRMGYFTIQT